The following is an entry in ClinVar:

NM_001040151.2(SCN3B):c.47T>C (p.Ile16Thr)

Gene: SCN3B (sodium voltage-gated channel beta subunit 3; minus strand). Cytogenetic location: 11q24.1.
Variant type: single nucleotide variant.
Coding change: c.47T>C on transcript NM_001040151.2 (MANE Select); coding-DNA position 47, T replaced by C.
Protein change: p.Ile16Thr; replaces isoleucine 16 with threonine.
Molecular consequence: missense variant.
Genome position (GRCh38, 1-based): chr11:123,653,755, A>G on the plus strand (T>C on the coding strand, the complement: SCN3B is on the minus strand). VCF-style: chr11-123653755-A-G. GRCh37 (hg19) VCF-style: chr11-123524463-A-G.
Other names: c.47T>C, p.Ile16Thr (NM_018400.4); short protein forms I16T.
Identifiers: ClinVar variation 1743186 (VCV001743186.2), dbSNP rs1429862445, ClinGen allele CA383073327.
Genomic context (GRCh38, chr11:123,653,755, plus strand): 5'-TTAGCATTGTTACTGTTACCTGCATCCGGCATGGCGAGGTGCTGGTACTTACCCCAGTAG[A>G]TAAGCACGAGAGAAGCCAGGGGAAACAATCTATTGAAGGCAGGCATCTTCTGGGGCTGGC-3'
Protein context (NP_001035241.1, residues 6-26): RLFPLASLVL[Ile16Thr]YWVSVCFPVC

ClinVar aggregate classification (germline): Uncertain significance (1 of 4 stars; one submission).

Conditions:
Cardiovascular phenotype. Identifiers: MedGen CN230736.

Allele frequency attached by ClinVar (database versions not stated): gnomAD exomes below 0.00001; TOPMed below 0.00001.
gnomAD v4.1: 1 of 1,614,244 alleles (0.000062%); highest among the groups gnomAD compares: Non-Finnish European, 0.000085%; no homozygotes.

Submission:

Ambry Genetics
Classification: Uncertain significance for Cardiovascular phenotype. Last evaluated: 2019-09-27. Review status: criteria provided, single submitter. Criteria: Ambry Variant Classification Scheme 2023. Collection method: clinical testing. Allele origin: germline.
Comment: The p.I16T variant (also known as c.47T>C), located in coding exon 1 of the SCN3B gene, results from a T to C substitution at nucleotide position 47. The isoleucine at codon 16 is replaced by threonine, an amino acid with similar properties. This amino acid position is well conserved in available vertebrate species. In addition, the in silico prediction for this alteration is inconclusive. Since supporting evidence is limited at this time, the clinical significance of this alteration remains unclear.